The following is an entry in ClinVar:

NM_198428.3(BBS9):c.903A>G (p.Ile301Met)

Gene: BBS9 (Bardet-Biedl syndrome 9; plus strand). Cytogenetic location: 7p14.3.
Variant type: single nucleotide variant.
Coding change: c.903A>G on transcript NM_198428.3 (MANE Select); coding-DNA position 903, A replaced by G.
Protein change: p.Ile301Met; replaces isoleucine 301 with methionine.
Molecular consequence: missense variant. On other transcripts: non-coding transcript variant (3).
Genome position (GRCh38, 1-based): chr7:33,273,843, A>G. VCF-style: chr7-33273843-A-G. GRCh37 (hg19) VCF-style: chr7-33313455-A-G.
Other names: c.903A>G, p.Ile301Met (NM_001033604.2, NM_001033605.2, NM_001348036.1 and 5 more transcripts); c.537A>G, p.Ile179Met (NM_001348037.3, NM_001348044.3, NM_001348045.3 and 1 more transcripts); c.630A>G, p.Ile210Met (NM_001348038.3, NM_001348039.3); c.768A>G, p.Ile256Met (NM_001348042.3); short protein forms I179M, I210M, I256M, I301M.
Identifiers: ClinVar variation 3346043 (VCV003346043.1).

ClinVar aggregate classification (germline): Uncertain significance (0 of 4 stars; one submission).

Conditions:
BBS9-related disorder. Also called: BBS9-related condition.

gnomAD v4.1: 13 of 1,610,270 alleles (0.00081%); highest among the groups gnomAD compares: Non-Finnish European, 0.00034%; no homozygotes.

Submission:

PreventionGenetics, part of Exact Sciences
Classification: Uncertain significance for BBS9-related condition. Last evaluated: 2024-07-24. Review status: no assertion criteria provided. Collection method: clinical testing. Allele origin: germline.
Comment: The BBS9 c.903A>G variant is predicted to result in the amino acid substitution p.Ile301Met. To our knowledge, this variant has not been reported in the literature. This variant is reported in 0.0046% of alleles in individuals of European (Finnish) descent in gnomAD. At this time, the clinical significance of this variant is uncertain due to the absence of conclusive functional and genetic evidence.